The following is an entry in ClinVar:

ClinVar aggregate classification (germline): Likely pathogenic. Review status: criteria provided, multiple submitters, no conflicts (2 of 4 stars). 6 submissions from 5 submitters: Likely pathogenic (5). 1 of the submissions does not count toward it. Last evaluated 2023-02-08.

Conditions:
Peripheral motor neuropathy, childhood-onset, biotin-responsive. Identifiers: MedGen C5676997, MONDO:0859255, OMIM 619903.
Neurodegeneration, infantile-onset, biotin-responsive. Also called: SODIUM-DEPENDENT MULTIVITAMIN TRANSPORTER DEFICIENCY; SMVT DEFICIENCY. Identifiers: Orphanet 521268, MedGen C5436520, MONDO:0033546, OMIM 618973.
SLC5A6-related disorder.

Allele frequency attached by ClinVar (database versions not stated): gnomAD 0.00010; TOPMed 0.00007; ESP Exome Variant Server 0.00032; gnomAD exomes 0.00004; ExAC 0.00005.

Submissions (6):

Baylor Genetics
Classification: Likely pathogenic for Peripheral motor neuropathy, childhood-onset, biotin-responsive. Last evaluated: 2023-02-08. Review status: criteria provided, single submitter. Criteria: ACMG Guidelines, 2015. Collection method: clinical testing. Allele origin: unknown.

Baylor Genetics
Classification: Likely pathogenic for Neurodegeneration, infantile-onset, biotin-responsive. Last evaluated: 2023-02-08. Review status: criteria provided, single submitter. Criteria: ACMG Guidelines, 2015. Collection method: clinical testing. Allele origin: unknown.

GeneDx
Classification: Likely pathogenic. Last evaluated: 2022-10-13. Review status: criteria provided, single submitter. Criteria: GeneDx Variant Classification Process June 2021. Collection method: clinical testing. Allele origin: germline. Affected: yes.
Comment: Frameshift variant predicted to result in protein extension as the last 14 amino acids are replaced with 50 different amino acids, although loss-of-function variants have not been reported downstream of this position in the protein; This variant is associated with the following publications: (PMID: 31392107, 35217562)

Joint Genome Diagnostic Labs from Nijmegen and Maastricht, Radboudumc and MUMC+
Classification: Likely pathogenic for Neurodegeneration, infantile-onset, biotin-responsive. Last evaluated: 2021-02-01. Review status: criteria provided, single submitter. Criteria: ACMG Guidelines, 2015. Collection method: clinical testing. Allele origin: germline. Affected: yes.

Daryl Scott Lab, Baylor College of Medicine
Classification: Likely pathogenic for SLC5A6-related disorder. Review status: criteria provided, single submitter. Criteria: ACMG Guidelines, 2015. Collection method: clinical testing. Allele origin: maternal. Affected: yes. Observed: 1 compound heterozygote.
Comment: PVS1_supporting, PS3, PM3

OMIM
Classification: Pathogenic for SODIUM-DEPENDENT MULTIVITAMIN TRANSPORTER DEFICIENCY. Last evaluated: 2022-06-02. Review status: no assertion criteria provided. Collection method: literature only. Allele origin: germline. Not counted in ClinVar's aggregate classification.

Literature cited by the submitters: PubMed 31392107 (cited by OMIM); PubMed 35217562 (cited by OMIM).

NM_021095.4(SLC5A6):c.1865_1866del (p.Gln622fs)

Gene: SLC5A6 (solute carrier family 5 member 6; minus strand). Cytogenetic location: 2p23.3.
Variant type: Deletion.
Coding change: c.1865_1866del on transcript NM_021095.4 (MANE Select); coding-DNA positions 1865 to 1866, 2 bases deleted (AG; older notation c.1865_1866delAG).
Protein change: p.Gln622fs; shifts the reading frame from glutamine 622.
Molecular consequence: frameshift variant. On other transcripts: non-coding transcript variant (1).
Genome position (GRCh38, 1-based): chr2:27,200,478-27,200,479, CT deleted on the plus strand (AG on the coding strand, the reverse complement: SLC5A6 is on the minus strand). VCF-style (leftmost placement, unchanged base first): chr2-27200477-CCT-C. GRCh37 (hg19) VCF-style: chr2-27423345-CCT-C.
Other names: short protein forms Q622fs.
Identifiers: ClinVar variation 1341577 (VCV001341577.7), dbSNP rs774193816, ClinGen allele CA1571320.